The following is an entry in ClinVar:

NM_000361.3(THBD):c.581G>T (p.Gly194Val)

Gene: THBD (thrombomodulin; minus strand). Cytogenetic location: 20p11.21.
Variant type: single nucleotide variant.
Coding change: c.581G>T on transcript NM_000361.3 (MANE Select); coding-DNA position 581, G replaced by T.
Protein change: p.Gly194Val; replaces glycine 194 with valine.
Molecular consequence: missense variant.
Genome position (GRCh38, 1-based): chr20:23,048,924, C>A on the plus strand (G>T on the coding strand, the complement: THBD is on the minus strand). VCF-style: chr20-23048924-C-A. GRCh37 (hg19) VCF-style: chr20-23029561-C-A.
Other names: short protein forms G194V.
Identifiers: ClinVar variation 2063843 (VCV002063843.4), dbSNP rs1343751472, ClinGen allele CA408407378.

ClinVar aggregate classification (germline): Uncertain significance (1 of 4 stars; one submission).

gnomAD v4.1: 1 of 1,535,710 alleles (0.000065%); highest among the groups gnomAD compares: Non-Finnish European, 0.000087%; no homozygotes.

Submission:

Labcorp Genetics (formerly Invitae), Labcorp
Classification: Uncertain significance. Last evaluated: 2025-02-03. Review status: criteria provided, single submitter. Criteria: Invitae Variant Classification Sherloc (09022015). Collection method: clinical testing. Allele origin: germline.
Comment: This sequence change replaces glycine, which is neutral and non-polar, with valine, which is neutral and non-polar, at codon 194 of the THBD protein (p.Gly194Val). This variant is not present in population databases (gnomAD no frequency). This variant has not been reported in the literature in individuals affected with THBD-related conditions. ClinVar contains an entry for this variant (Variation ID: 2063843). Invitae Evidence Modeling of protein sequence and biophysical properties (such as structural, functional, and spatial information, amino acid conservation, physicochemical variation, residue mobility, and thermodynamic stability) indicates that this missense variant is not expected to disrupt THBD protein function with a negative predictive value of 80%. In summary, the available evidence is currently insufficient to determine the role of this variant in disease. Therefore, it has been classified as a Variant of Uncertain Significance.